The following is an entry in ClinVar:

NM_001382273.1(TNK2):c.2387G>A (p.Arg796Gln)

Gene: TNK2 (tyrosine kinase non receptor 2; minus strand). Cytogenetic location: 3q29.
Variant type: single nucleotide variant.
Coding change: c.2387G>A on transcript NM_001382273.1 (MANE Select); coding-DNA position 2387, G replaced by A.
Protein change: p.Arg796Gln; replaces arginine 796 with glutamine.
Molecular consequence: missense variant. On other transcripts: non-coding transcript variant (15).
Genome position (GRCh38, 1-based): chr3:195,867,911, C>T on the plus strand (G>A on the coding strand, the complement: TNK2 is on the minus strand). VCF-style: chr3-195867911-C-T. GRCh37 (hg19) VCF-style: chr3-195594782-C-T.
Other names: c.2387G>A, p.Arg796Gln (NM_001382274.1, NM_001387716.1, NM_001387717.1 and 1 more transcripts); c.2483G>A, p.Arg828Gln (NM_001382275.1, NM_001387707.1); c.2342G>A, p.Arg781Gln (NM_001386164.1, NM_001387709.1, NM_001387710.1 and 8 more transcripts); c.2414G>A, p.Arg805Gln (NM_001387708.1, NM_001387715.1); c.2459G>A, p.Arg820Gln (NM_001010938.2, NM_001382272.1); c.2438G>A, p.Arg813Gln (NM_001308046.2, NM_001382271.1); short protein forms R805Q, R820Q, R828Q, R781Q, R796Q, R813Q.
Identifiers: ClinVar variation 1370596 (VCV001370596.8), dbSNP rs764528408, ClinGen allele CA2775940.

ClinVar aggregate classification (germline): Uncertain significance (1 of 4 stars; one submission).

Allele frequency attached by ClinVar (database versions not stated): gnomAD exomes 0.00002; ExAC 0.00003; TOPMed 0.00004; gnomAD 0.00005 and 0.00006.
gnomAD v4.1: 57 of 1,530,410 alleles (0.0037%); highest among the groups gnomAD compares: South Asian, 0.0076%; no homozygotes.

Submission:

Labcorp Genetics (formerly Invitae), Labcorp
Classification: Uncertain significance. Last evaluated: 2021-07-16. Review status: criteria provided, single submitter. Criteria: Invitae Variant Classification Sherloc (09022015). Collection method: clinical testing. Allele origin: germline.
Comment: In summary, the available evidence is currently insufficient to determine the role of this variant in disease. Therefore, it has been classified as a Variant of Uncertain Significance. Algorithms developed to predict the effect of sequence changes on RNA splicing suggest that this variant may create or strengthen a splice site. Algorithms developed to predict the effect of missense changes on protein structure and function (SIFT, PolyPhen-2, Align-GVGD) all suggest that this variant is likely to be tolerated. This variant has not been reported in the literature in individuals affected with TNK2-related conditions. This variant is present in population databases (rs764528408, ExAC 0.02%). This sequence change replaces arginine with glutamine at codon 859 of the TNK2 protein (p.Arg859Gln). The arginine residue is moderately conserved and there is a small physicochemical difference between arginine and glutamine.